The following is an entry in ClinVar:

NM_000548.5(TSC2):c.849-9dup

Gene: TSC2 (TSC complex subunit 2; plus strand). Cytogenetic location: 16p13.3.
Variant type: Duplication.
Coding change: c.849-9dup on transcript NM_000548.5 (MANE Select); 9 bases into the intron before coding-DNA position 849, one base duplicated (C; older notation c.849-9dupC).
Molecular consequence: intron variant.
Genome position (GRCh38, 1-based): chr16:2,058,738, C duplicated. VCF-style (leftmost placement, unchanged base first): chr16-2058737-A-AC. GRCh37 (hg19) VCF-style: chr16-2108738-A-AC.
Other names: c.849-9dup (NM_000548.3, NM_001114382.3, NM_021055.3 and 4 more transcripts); c.738-9dup (NM_001318827.2); c.249-9dup (NM_001318831.2); c.702-9dup (NM_001318829.2); c.882-9dup (NM_001318832.2).
Identifiers: ClinVar variation 697748 (VCV000697748.17), dbSNP rs764626623, ClinGen allele CA056522.

ClinVar aggregate classification (germline): Conflicting classifications of pathogenicity. Review status: criteria provided, conflicting classifications (1 of 4 stars). 6 submissions from 6 submitters: Uncertain significance (1); Benign (1); Likely benign (4). Last evaluated 2026-01-20.

Conditions:
Tuberous sclerosis 2 (TSC2). Identifiers: Orphanet 805, MedGen C1860707, MONDO:0013199, OMIM 613254.
Tuberous sclerosis syndrome (TSC). Also called: Tuberous Sclerosis Complex; Tuberous sclerosis. Identifiers: Orphanet 805, MedGen C0041341, MONDO:0001734.

Allele frequency attached by ClinVar (database versions not stated): TOPMed below 0.00001; gnomAD exomes 0.00001 and 0.00003; ExAC 0.00003.

Submissions (6):

Labcorp Genetics (formerly Invitae), Labcorp
Classification: Likely benign for Tuberous sclerosis 2. Last evaluated: 2026-01-20. Review status: criteria provided, single submitter. Criteria: Invitae Variant Classification Sherloc (09022015). Collection method: clinical testing. Allele origin: germline.

Myriad Genetics, Inc.
Classification: Benign for Tuberous sclerosis 2. Last evaluated: 2025-05-12. Review status: criteria provided, single submitter. Criteria: Myriad Autosomal Dominant, Autosomal Recessive and X-Linked Classification Criteria (2023). Collection method: clinical testing. Allele origin: unknown.
Comment: This variant is considered benign. This variant is intronic and is not expected to impact mRNA splicing. This variant has been observed at a population frequency that is significantly greater than expected given the associated disease prevalence and penetrance.

All of Us Research Program, National Institutes of Health
Classification: Likely benign for Tuberous sclerosis syndrome. Last evaluated: 2023-06-26. Review status: criteria provided, single submitter. Criteria: ACMG Guidelines, 2015. Collection method: clinical testing. Allele origin: germline. Inheritance: Autosomal dominant inheritance. Observed: 2 variant alleles, 2 heterozygotes.
Comment: This study involves interpretation of variants in research participants for the purpose of population health screening. Participant phenotype was not available at the time of variant classification. Additional details can be found in publication PMID: 35346344, PMCID: PMC8962531

Color Diagnostics, LLC DBA Color Health
Classification: Likely benign for Tuberous sclerosis syndrome. Last evaluated: 2022-09-22. Review status: criteria provided, single submitter. Criteria: ACMG Guidelines, 2015. Collection method: clinical testing. Allele origin: germline.

Genome-Nilou Lab
Classification: Likely benign for Tuberous sclerosis 2. Last evaluated: 2021-11-07. Review status: criteria provided, single submitter. Criteria: ACMG Guidelines, 2015. Collection method: clinical testing. Allele origin: germline. Affected: no.

GeneDx
Classification: Uncertain significance. Last evaluated: 2019-01-09. Review status: criteria provided, single submitter. Criteria: GeneDx Variant Classification Process June 2021. Collection method: clinical testing. Allele origin: germline. Affected: yes.
Comment: Not observed in large population cohorts (Lek et al., 2016; McVean et al., 2012; Exome Variant Server); Has not been previously published as pathogenic or benign to our knowledge; In-silico analysis, which includes splice predictors and evolutionary conservation, is inconclusive as to whether the variant alters gene splicing. In the absence of RNA/functional studies, the actual effect of this sequence change is unknown.